The following is an entry in ClinVar:

NM_004522.3(KIF5C):c.916_918del (p.Pro306del)

Gene: KIF5C (kinesin family member 5C; plus strand). Cytogenetic location: 2q23.1.
Variant type: Deletion.
Coding change: c.916_918del on transcript NM_004522.3 (MANE Select); coding-DNA positions 916 to 918, 3 bases deleted (CCT; older notation c.916_918delCCT).
Protein change: p.Pro306del; deletes proline 306.
Molecular consequence: inframe deletion. On other transcripts: non-coding transcript variant (1).
Genome position (GRCh38, 1-based): chr2:148,950,410-148,950,412, CCT deleted; deleting any 3 consecutive bases within chr2:148,950,408-148,950,412 gives the same sequence; the c. name uses the placement nearest the transcript's 3' end. VCF-style (leftmost placement, unchanged base first): chr2-148950407-TCTC-T. GRCh37 (hg19) VCF-style: chr2-149806921-TCTC-T.
Other names: short protein forms P306del.
Identifiers: ClinVar variation 5010000 (VCV005010000.1).
Genomic context (GRCh38, chr2:148,950,407, plus strand): 5'-ACTCGGATTCTTCAGGACTCTTTGGGTGGGAACTGCAGAACCACCATCGTCATTTGCTGT[TCTC>T]CTTCTGTCTTCAATGAGGCTGAGACCAAGTCCACACTGATGTTCGGACAGAGGTACGTGT-3'

ClinVar aggregate classification (germline): Uncertain significance (1 of 4 stars; one submission).

Submission:

GeneDx
Classification: Uncertain significance. Last evaluated: 2026-02-22. Review status: criteria provided, single submitter. Criteria: GeneDx Variant Classification Process June 2021. Collection method: clinical testing. Allele origin: germline.
Comment: Not observed at significant frequency in large population cohorts (gnomAD); In-frame deletion of 1 amino acid(s) in a non-repeat region; In silico analysis supports a deleterious effect on protein structure/function; Has not been previously published as pathogenic or benign to our knowledge